The following is an entry in ClinVar:

ClinVar aggregate classification (germline): Uncertain significance. Review status: criteria provided, multiple submitters, no conflicts (2 of 4 stars). 2 submissions from 2 submitters: Uncertain significance (2). Last evaluated 2024-05-06.

Conditions:
Cardiovascular phenotype. Identifiers: MedGen CN230736.
Noonan syndrome 9 (NS9). Identifiers: Orphanet 648, MedGen C4225282, MONDO:0014691, OMIM 616559.

Allele frequency attached by ClinVar (database versions not stated): gnomAD exomes below 0.00001.
gnomAD v4.1: 1 of 1,614,144 alleles (0.000062%); highest among the groups gnomAD compares: Non-Finnish European, 0.000085%; no homozygotes.

Submissions (2):

Labcorp Genetics (formerly Invitae), Labcorp
Classification: Uncertain significance for Noonan syndrome 9. Last evaluated: 2024-05-06. Review status: criteria provided, single submitter. Criteria: Invitae Variant Classification Sherloc (09022015). Collection method: clinical testing. Allele origin: germline.
Comment: This sequence change replaces lysine, which is basic and polar, with arginine, which is basic and polar, at codon 491 of the SOS2 protein (p.Lys491Arg). This variant is not present in population databases (gnomAD no frequency). This variant has not been reported in the literature in individuals affected with SOS2-related conditions. ClinVar contains an entry for this variant (Variation ID: 2448253). Advanced modeling of protein sequence and biophysical properties (such as structural, functional, and spatial information, amino acid conservation, physicochemical variation, residue mobility, and thermodynamic stability) performed at Invitae indicates that this missense variant is not expected to disrupt SOS2 protein function with a negative predictive value of 80%. In summary, the available evidence is currently insufficient to determine the role of this variant in disease. Therefore, it has been classified as a Variant of Uncertain Significance.

Ambry Genetics
Classification: Uncertain significance for Cardiovascular phenotype. Last evaluated: 2023-02-28. Review status: criteria provided, single submitter. Criteria: Ambry Variant Classification Scheme 2023. Collection method: clinical testing. Allele origin: germline.
Comment: The p.K491R variant (also known as c.1472A>G), located in coding exon 10 of the SOS2 gene, results from an A to G substitution at nucleotide position 1472. The lysine at codon 491 is replaced by arginine, an amino acid with highly similar properties. This amino acid position is conserved. In addition, the in silico prediction for this alteration is inconclusive. Since supporting evidence is limited at this time, the clinical significance of this alteration remains unclear.

NM_006939.4(SOS2):c.1472A>G (p.Lys491Arg)

Gene: SOS2 (SOS Ras/Rho guanine nucleotide exchange factor 2; minus strand). Cytogenetic location: 14q21.3.
Variant type: single nucleotide variant.
Coding change: c.1472A>G on transcript NM_006939.4 (MANE Select); coding-DNA position 1472, A replaced by G.
Protein change: p.Lys491Arg; replaces lysine 491 with arginine.
Molecular consequence: missense variant.
Genome position (GRCh38, 1-based): chr14:50,159,811, T>C on the plus strand (A>G on the coding strand, the complement: SOS2 is on the minus strand). VCF-style: chr14-50159811-T-C. GRCh37 (hg19) VCF-style: chr14-50626529-T-C.
Other names: c.1373A>G, p.Lys458Arg (NM_001411020.1); short protein forms K458R, K491R.
Identifiers: ClinVar variation 2448253 (VCV002448253.4), dbSNP rs2502990276, ClinGen allele CA389645701.